The following is an entry in ClinVar:

ClinVar aggregate classification (germline): Uncertain significance (1 of 4 stars; one submission).

Submission:

Ambry Genetics
Classification: Uncertain significance. Last evaluated: 2022-05-15. Review status: criteria provided, single submitter. Criteria: Ambry Variant Classification Scheme 2023. Collection method: clinical testing. Allele origin: germline.
Comment: The p.P656S variant (also known as c.1966C>T), located in coding exon 13 of the POLQ gene, results from a C to T substitution at nucleotide position 1966. The proline at codon 656 is replaced by serine, an amino acid with similar properties. This amino acid position is conserved. In addition, the in silico prediction for this alteration is inconclusive. Since supporting evidence is limited at this time, the clinical significance of this alteration remains unclear.

NM_199420.4(POLQ):c.1966C>T (p.Pro656Ser)

Gene: POLQ (DNA polymerase theta; minus strand). Cytogenetic location: 3q13.33.
Variant type: single nucleotide variant.
Coding change: c.1966C>T on transcript NM_199420.4 (MANE Select); coding-DNA position 1966, C replaced by T.
Protein change: p.Pro656Ser; replaces proline 656 with serine.
Molecular consequence: missense variant.
Genome position (GRCh38, 1-based): chr3:121,498,664, G>A on the plus strand (C>T on the coding strand, the complement: POLQ is on the minus strand). VCF-style: chr3-121498664-G-A. GRCh37 (hg19) VCF-style: chr3-121217511-G-A.
Other names: short protein forms P656S.
Identifiers: ClinVar variation 1783527 (VCV001783527.2), dbSNP rs768902097, ClinGen allele CA354111117.